The following is an entry in ClinVar:

NM_001035.3(RYR2):c.2291del (p.Pro764fs)

Gene: RYR2 (ryanodine receptor 2; plus strand). Cytogenetic location: 1q43.
Variant type: Deletion.
Coding change: c.2291del on transcript NM_001035.3 (MANE Select); coding-DNA position 2291, one base deleted (C; older notation c.2291delC).
Protein change: p.Pro764fs; shifts the reading frame from proline 764.
Molecular consequence: frameshift variant.
Genome position (GRCh38, 1-based): chr1:237,500,798, C deleted; the last of 4 consecutive C bases (chr1:237,500,795-237,500,798); deleting any one gives the same sequence. VCF-style (leftmost placement, unchanged base first): chr1-237500794-GC-G. GRCh37 (hg19) VCF-style: chr1-237664094-GC-G.
Other names: short protein forms P764fs.
Identifiers: ClinVar variation 3069211 (VCV003069211.1), dbSNP rs2545868308, ClinGen allele CA2825000930.

ClinVar aggregate classification (germline): Uncertain significance (1 of 4 stars; one submission).

Conditions:
Catecholaminergic polymorphic ventricular tachycardia (CVPT). Also called: Catecholamine-induced polymorphic ventricular tachycardia. Identifiers: Orphanet 3286, MedGen C5574922, MONDO:0017990.

Submission:

All of Us Research Program, National Institutes of Health
Classification: Uncertain significance for Catecholaminergic polymorphic ventricular tachycardia. Last evaluated: 2023-06-08. Review status: criteria provided, single submitter. Criteria: ACMG Guidelines, 2015. Collection method: clinical testing. Allele origin: germline. Inheritance: Autosomal dominant inheritance. Observed: 1 variant allele, 1 heterozygote.
Comment: This variant deletes 1 nucleotide in exon 21 of the RYR2 gene, creating a frameshift and premature translation stop signal. This variant is expected to result in an absent or non-functional protein product. To our knowledge, this variant has not been reported in individuals affected with cardiovascular disorders in the literature. This variant has not been identified in the general population by the Genome Aggregation Database (gnomAD). The role of loss-of-function RYR2 truncation variants in cardiovascular disorders is not clearly understood. The available evidence is insufficient to determine the role of this variant in disease conclusively. Therefore, this variant is classified as a Variant of Uncertain Significance.

This study involves interpretation of variants in research participants for the purpose of population health screening. Participant phenotype was not available at the time of variant classification. Additional details can be found in publication PMID: 35346344, PMCID: PMC8962531